The following is an entry in ClinVar:

ClinVar aggregate classification (germline): Pathogenic (1 of 4 stars; one submission).

Conditions:
Progressive microcephaly-seizures-cortical blindness-developmental delay syndrome. Also called: Seizures, cortical blindness, and microcephaly syndrome. Identifiers: Orphanet 477814, MedGen C5567650, MONDO:0014714, OMIM 616632.
Autosomal dominant nonsyndromic hearing loss 1. Also called: DEAFNESS, AUTOSOMAL DOMINANT 1, WITH OR WITHOUT THROMBOCYTOPENIA; KONIGSMARK SYNDROME. Identifiers: Orphanet 90635, MedGen C1852282, MONDO:0007424, OMIM 124900.

Submission:

Labcorp Genetics (formerly Invitae), Labcorp
Classification: Pathogenic for Progressive microcephaly-seizures-cortical blindness-developmental delay syndrome; Autosomal dominant nonsyndromic hearing loss 1. Last evaluated: 2023-05-16. Review status: criteria provided, single submitter. Criteria: Invitae Variant Classification Sherloc (09022015). Collection method: clinical testing. Allele origin: germline.
Comment: For these reasons, this variant has been classified as Pathogenic. ClinVar contains an entry for this variant (Variation ID: 2097632). This variant has not been reported in the literature in individuals affected with DIAPH1-related conditions. This variant is not present in population databases (gnomAD no frequency). This sequence change creates a premature translational stop signal (p.Arg1071Hisfs*21) in the DIAPH1 gene. It is expected to result in an absent or disrupted protein product. Loss-of-function variants in DIAPH1 are known to be pathogenic (PMID: 24781755, 26463574).

Literature cited by the submitters: PubMed 24781755; PubMed 26463574.

NM_005219.5(DIAPH1):c.3211_3212insAT (p.Arg1071fs)

Gene: DIAPH1 (diaphanous related formin 1; minus strand). Cytogenetic location: 5q31.3.
Variant type: Insertion.
Coding change: c.3211_3212insAT on transcript NM_005219.5 (MANE Select); coding-DNA positions 3211 to 3212, AT inserted.
Protein change: p.Arg1071fs; shifts the reading frame from arginine 1071.
Molecular consequence: frameshift variant.
Genome position: GRCh38 VCF-style: chr5-141527634-C-CAT. GRCh37 (hg19) VCF-style: chr5-140907201-C-CAT.
Other names: c.3184_3185insAT, p.Arg1062fs (NM_001079812.3); c.3211_3212insAT, p.Arg1071fs (NM_001314007.2); short protein forms R1071fs, R1062fs.
Identifiers: ClinVar variation 2097632 (VCV002097632.4), dbSNP rs2513621738, ClinGen allele CA2580072998.